The following is an entry in ClinVar:

ClinVar aggregate classification (germline): Conflicting classifications of pathogenicity. Review status: criteria provided, conflicting classifications (1 of 4 stars). 5 submissions from 5 submitters: Uncertain significance (4); Likely benign (1). Last evaluated 2026-01-12.

Conditions:
Hereditary cancer-predisposing syndrome. Also called: Tumor predisposition; Hereditary Cancer Syndrome; Hereditary neoplastic syndrome; Neoplastic Syndromes, Hereditary. Identifiers: Orphanet 140162, MedGen C0027672, MeSH D009386, MONDO:0015356.
Hereditary nonpolyposis colorectal neoplasms. Identifiers: MedGen C0009405, MeSH D003123.
Lynch syndrome 4 (LYNCH4). Also called: Colorectal cancer, hereditary nonpolyposis, type 4; Hereditary non-polyposis colorectal cancer, type 4. Identifiers: Orphanet 144, MedGen C1838333, MONDO:0013699, OMIM 614337. Disease mechanism: loss of function.

Allele frequency attached by ClinVar (database versions not stated): gnomAD exomes below 0.00001; TOPMed 0.00001; gnomAD 0.00002.

Submissions (5):

Labcorp Genetics (formerly Invitae), Labcorp
Classification: Uncertain significance for Hereditary nonpolyposis colorectal neoplasms. Last evaluated: 2026-01-12. Review status: criteria provided, single submitter. Criteria: Invitae Variant Classification Sherloc (09022015). Collection method: clinical testing. Allele origin: germline.
Comment: This sequence change replaces serine, which is neutral and polar, with alanine, which is neutral and non-polar, at codon 494 of the PMS2 protein (p.Ser494Ala). This variant is present in population databases (no rsID available, gnomAD 0.0009%). This variant has not been reported in the literature in individuals affected with PMS2-related conditions. ClinVar contains an entry for this variant (Variation ID: 411022). Invitae Evidence Modeling incorporating data from in vitro experimental studies (internal data) indicates that this missense variant is not expected to disrupt PMS2 function with a negative predictive value of 95%. In summary, the available evidence is currently insufficient to determine the role of this variant in disease. Therefore, it has been classified as a Variant of Uncertain Significance.

Myriad Genetics, Inc.
Classification: Likely benign for Lynch syndrome 4. Last evaluated: 2025-01-30. Review status: criteria provided, single submitter. Criteria: Myriad Autosomal Dominant, Autosomal Recessive and X-Linked Classification Criteria (2023). Collection method: clinical testing. Allele origin: unknown.
Comment: This variant is considered likely benign. This variant has been observed in trans with a known pathogenic variant in one or more individuals lacking clinical features consistent with gene-specific recessive disease.

Ambry Genetics
Classification: Uncertain significance for Hereditary cancer-predisposing syndrome. Last evaluated: 2024-08-23. Review status: criteria provided, single submitter. Criteria: Ambry Variant Classification Scheme 2023. Collection method: clinical testing. Allele origin: germline.
Comment: The p.S494A variant (also known as c.1480T>G), located in coding exon 11 of the PMS2 gene, results from a T to G substitution at nucleotide position 1480. The serine at codon 494 is replaced by alanine, an amino acid with similar properties. This amino acid position is well conserved in available vertebrate species. In addition, this alteration is predicted to be tolerated by in silico analysis. Based on the available evidence, the clinical significance of this variant remains unclear.

Color Diagnostics, LLC DBA Color Health
Classification: Uncertain significance for Hereditary cancer-predisposing syndrome. Last evaluated: 2023-12-04. Review status: criteria provided, single submitter. Criteria: ACMG Guidelines, 2015. Collection method: clinical testing. Allele origin: germline.
Comment: This missense variant replaces serine with alanine at codon 494 of the PMS2 protein. Computational prediction suggests that this variant may not impact protein structure and function (internally defined REVEL score threshold <= 0.5, PMID: 27666373). To our knowledge, functional studies have not been reported for this variant. This variant has not been reported in individuals affected with PMS2-related disorders in the literature. This variant has been identified in 1/251452 chromosomes in the general population by the Genome Aggregation Database (gnomAD). The available evidence is insufficient to determine the role of this variant in disease conclusively. Therefore, this variant is classified as a Variant of Uncertain Significance.

Genetic Services Laboratory, University of Chicago
Classification: Uncertain significance. Last evaluated: 2020-01-07. Review status: criteria provided, single submitter. Criteria: ACMG Guidelines, 2015. Collection method: clinical testing. Allele origin: germline. Affected: no.
Comment: DNA sequence analysis of the PMS2 gene demonstrated a sequence change, c.1480T>G, in exon 11 that results in an amino acid change, p.Ser494Ala. This sequence change does not appear to have been previously described in patients with PMS2-related disorders and has been described in the gnomAD database in one individual (dbSNP rs587782500). The p.Ser494Ala change affects a moderately conserved amino acid residue located in a domain of the PMS2 protein that is not known to be functional. In-silico pathogenicity prediction tools (SIFT, PolyPhen2, Align GVGD, REVEL) provide contradictory results for the p.Ser494Ala substitution. Due to these contrasting evidences and the lack of functional studies, the clinical significance of the p.Ser494Ala change remains unknown at this time.

NM_000535.7(PMS2):c.1480T>G (p.Ser494Ala)

Gene: PMS2 (PMS1 homolog 2, mismatch repair system component; minus strand). Cytogenetic location: 7p22.1.
Variant type: single nucleotide variant.
Coding change: c.1480T>G on transcript NM_000535.7 (MANE Select); coding-DNA position 1480, T replaced by G.
Protein change: p.Ser494Ala; replaces serine 494 with alanine.
Molecular consequence: missense variant. On other transcripts: non-coding transcript variant (1).
Genome position (GRCh38, 1-based): chr7:5,987,285, A>C on the plus strand (T>G on the coding strand, the complement: PMS2 is on the minus strand). VCF-style: chr7-5987285-A-C. GRCh37 (hg19) VCF-style: chr7-6026916-A-C.
Other names: c.1075T>G, p.Ser359Ala (NM_001322003.2, NM_001322004.2, NM_001322005.2 and 1 more transcripts); c.1324T>G, p.Ser442Ala (NM_001322006.2); c.1162T>G, p.Ser388Ala (NM_001322007.2, NM_001322008.2); c.919T>G, p.Ser307Ala (NM_001322010.2); c.547T>G, p.Ser183Ala (NM_001322011.2, NM_001322012.2); c.907T>G, p.Ser303Ala (NM_001322013.2); c.1480T>G, p.Ser494Ala (NM_001322014.2); c.1171T>G, p.Ser391Ala (NM_001322015.2); short protein forms S494A, S359A, S388A, S307A, S391A, S183A, S303A, S442A.
Identifiers: ClinVar variation 411022 (VCV000411022.26), dbSNP rs587782500, ClinGen allele CA16612219.